The following is an entry in ClinVar:

NM_020247.5(COQ8A):c.1163-2A>G

Gene: COQ8A (coenzyme Q8A; plus strand). Cytogenetic location: 1q42.13.
Variant type: single nucleotide variant.
Coding change: c.1163-2A>G on transcript NM_020247.5 (MANE Select); the canonical splice acceptor site of the intron before coding-DNA position 1163, A replaced by G.
Molecular consequence: splice acceptor variant.
Genome position (GRCh38, 1-based): chr1:226,983,759, A>G. VCF-style: chr1-226983759-A-G. GRCh37 (hg19) VCF-style: chr1-227171460-A-G.
Identifiers: ClinVar variation 804504 (VCV000804504.4), dbSNP rs1572081759, ClinGen allele CA345053980.
Genomic context (GRCh38, chr1:226,983,759, plus strand): 5'-GACCAGAGGGGGTCCTCCCTGCAGAGCCCCCTTCCTCGCTGATGCCCTCCTCCCTGGCCC[A>G]GGCCTGTTCCCCGAGCACCTGATCGACGTGCTGAGGCGGGAGCTGGCCCTGGAGTGTGAC-3'

ClinVar aggregate classification (germline): Likely pathogenic. Review status: criteria provided, multiple submitters, no conflicts (2 of 4 stars). 2 submissions from 2 submitters: Likely pathogenic (2). Last evaluated 2023-03-04.

Submissions (2):

Labcorp Genetics (formerly Invitae), Labcorp
Classification: Likely pathogenic. Last evaluated: 2023-03-04. Review status: criteria provided, single submitter. Criteria: Invitae Variant Classification Sherloc (09022015). Collection method: clinical testing. Allele origin: germline.
Comment: In summary, the currently available evidence indicates that the variant is pathogenic, but additional data are needed to prove that conclusively. Therefore, this variant has been classified as Likely Pathogenic. Algorithms developed to predict the effect of sequence changes on RNA splicing suggest that this variant may disrupt the consensus splice site. ClinVar contains an entry for this variant (Variation ID: 804504). This variant has not been reported in the literature in individuals affected with COQ8A-related conditions. This variant is not present in population databases (gnomAD no frequency). This sequence change affects an acceptor splice site in intron 9 of the COQ8A gene. It is expected to disrupt RNA splicing. Variants that disrupt the donor or acceptor splice site typically lead to a loss of protein function (PMID: 16199547), and loss-of-function variants in COQ8A are known to be pathogenic (PMID: 18319074, 20580948).

Athena Diagnostics
Classification: Likely pathogenic. Last evaluated: 2018-12-27. Review status: criteria provided, single submitter. Criteria: Athena Diagnostics Criteria. Collection method: clinical testing. Allele origin: germline.
Comment: The variant disrupts a canonical splice site, and is therefore predicted to result in the loss of a functional protein. Not found in the total gnomAD dataset, and the data is high quality (0/280544 chr).

Literature cited by the submitters: PubMed 16199547 (cited by Labcorp Genetics (formerly Invitae), Labcorp); PubMed 18319074 (cited by Labcorp Genetics (formerly Invitae), Labcorp); PubMed 20580948 (cited by Labcorp Genetics (formerly Invitae), Labcorp).